The following is an entry in ClinVar:

NM_005732.4(RAD50):c.1601C>T (p.Thr534Ile)

Gene: RAD50 (RAD50 double strand break repair protein; plus strand). Cytogenetic location: 5q31.1.
Variant type: single nucleotide variant.
Coding change: c.1601C>T on transcript NM_005732.4 (MANE Select); coding-DNA position 1601, C replaced by T.
Protein change: p.Thr534Ile; replaces threonine 534 with isoleucine.
Molecular consequence: missense variant.
Genome position (GRCh38, 1-based): chr5:132,591,372, C>T. VCF-style: chr5-132591372-C-T. GRCh37 (hg19) VCF-style: chr5-131927064-C-T.
Other names: short protein forms T534I.
Identifiers: ClinVar variation 569977 (VCV000569977.10), dbSNP rs1561640781, ClinGen allele CA360946082.

ClinVar aggregate classification (germline): Uncertain significance. Review status: criteria provided, multiple submitters, no conflicts (2 of 4 stars). 2 submissions from 2 submitters: Uncertain significance (2). Last evaluated 2023-06-25.

Conditions:
Hereditary cancer-predisposing syndrome. Also called: Hereditary neoplastic syndrome; Tumor predisposition; Neoplastic Syndromes, Hereditary; Hereditary Cancer Syndrome. Identifiers: Orphanet 140162, MedGen C0027672, MeSH D009386, MONDO:0015356.

Submissions (2):

Ambry Genetics
Classification: Uncertain significance for Hereditary cancer-predisposing syndrome. Last evaluated: 2023-06-25. Review status: criteria provided, single submitter. Criteria: Ambry Variant Classification Scheme 2023. Collection method: clinical testing. Allele origin: germline.
Comment: The p.T534I variant (also known as c.1601C>T), located in coding exon 10 of the RAD50 gene, results from a C to T substitution at nucleotide position 1601. The threonine at codon 534 is replaced by isoleucine, an amino acid with similar properties. This amino acid position is conserved. In addition, this alteration is predicted to be tolerated by in silico analysis. Since supporting evidence is limited at this time, the clinical significance of this alteration remains unclear.

Labcorp Genetics (formerly Invitae), Labcorp
Classification: Uncertain significance for Hereditary cancer-predisposing syndrome. Last evaluated: 2018-04-09. Review status: criteria provided, single submitter. Criteria: Invitae Variant Classification Sherloc (09022015). Collection method: clinical testing. Allele origin: germline.
Comment: This variant is not present in population databases (ExAC no frequency). This variant has not been reported in the literature in individuals with RAD50-related disease. Algorithms developed to predict the effect of missense changes on protein structure and function (SIFT, PolyPhen-2, Align-GVGD) all suggest that this variant is likely to be tolerated, but these predictions have not been confirmed by published functional studies and their clinical significance is uncertain. In summary, the available evidence is currently insufficient to determine the role of this variant in disease. Therefore, it has been classified as a Variant of Uncertain Significance. This sequence change replaces threonine with isoleucine at codon 534 of the RAD50 protein (p.Thr534Ile). The threonine residue is moderately conserved and there is a moderate physicochemical difference between threonine and isoleucine.